The following is an entry in ClinVar:

ClinVar aggregate classification (germline): Uncertain significance (1 of 4 stars; one submission).

Allele frequency attached by ClinVar (database versions not stated): ExAC 0.00001; gnomAD 0.00001; gnomAD exomes 0.00001; TOPMed 0.00002; ESP Exome Variant Server 0.00008.
gnomAD v4.1: 23 of 1,614,040 alleles (0.0014%); highest among the groups gnomAD compares: East Asian, 0.0022%; no homozygotes.

Submission:

Labcorp Genetics (formerly Invitae), Labcorp
Classification: Uncertain significance. Last evaluated: 2025-12-31. Review status: criteria provided, single submitter. Criteria: Invitae Variant Classification Sherloc (09022015). Collection method: clinical testing. Allele origin: germline.
Comment: This sequence change replaces arginine, which is basic and polar, with cysteine, which is neutral and slightly polar, at codon 290 of the TRAIP protein (p.Arg290Cys). This variant is present in population databases (rs201373472, gnomAD 0.003%). This variant has not been reported in the literature in individuals affected with TRAIP-related conditions. ClinVar contains an entry for this variant (Variation ID: 2172759). An algorithm developed to predict the effect of missense changes on protein structure and function (PolyPhen-2) suggests that this variant is likely to be disruptive. In summary, the available evidence is currently insufficient to determine the role of this variant in disease. Therefore, it has been classified as a Variant of Uncertain Significance.

NM_005879.3(TRAIP):c.868C>T (p.Arg290Cys)

Gene: TRAIP (TRAF interacting protein; minus strand). Cytogenetic location: 3p21.31.
Variant type: single nucleotide variant.
Coding change: c.868C>T on transcript NM_005879.3 (MANE Select); coding-DNA position 868, C replaced by T.
Protein change: p.Arg290Cys; replaces arginine 290 with cysteine.
Molecular consequence: missense variant.
Genome position (GRCh38, 1-based): chr3:49,839,788, G>A on the plus strand (C>T on the coding strand, the complement: TRAIP is on the minus strand). VCF-style: chr3-49839788-G-A. GRCh37 (hg19) VCF-style: chr3-49877221-G-A.
Other names: short protein forms R290C.
Identifiers: ClinVar variation 2172759 (VCV002172759.4), dbSNP rs201373472, ClinGen allele CA2407679.